The following is an entry in ClinVar:

NM_144687.4(NLRP12):c.1538T>A (p.Ile513Asn)

Gene: NLRP12 (NLR family pyrin domain containing 12; minus strand). Cytogenetic location: 19q13.42.
Variant type: single nucleotide variant.
Coding change: c.1538T>A on transcript NM_144687.4 (MANE Select); coding-DNA position 1538, T replaced by A.
Protein change: p.Ile513Asn; replaces isoleucine 513 with asparagine.
Molecular consequence: missense variant.
Genome position (GRCh38, 1-based): chr19:53,810,121, A>T on the plus strand (T>A on the coding strand, the complement: NLRP12 is on the minus strand). VCF-style: chr19-53810121-A-T. GRCh37 (hg19) VCF-style: chr19-54313375-A-T.
Other names: c.1538T>A, p.Ile513Asn (NM_001277126.2, NM_001277129.1); short protein forms I513N.
Identifiers: ClinVar variation 3052113 (VCV003052113.2), dbSNP rs759658980, ClinGen allele CA9639407.
Genomic context (GRCh38, chr19:53,810,121, plus strand): 5'-CCCTCCCCCTCGTCCAGGATATAGTACATAGCTGCAAAGAATTCCTGGAAACTCAAGTGG[A>T]TGAAGCTGTAGTACCTCTCACAGTTGATGTCCTTCTGGAAGATGTTCATGTTGAGGAAGG-3'
Protein context (NP_653288.1, residues 503-523): DINCERYYSF[Ile513Asn]HLSFQEFFAA

ClinVar aggregate classification (germline): Uncertain significance (0 of 4 stars; one submission).

Conditions:
NLRP12-related disorder. Also called: NLRP12-related conditions; NLRP12-related condition.

Allele frequency attached by ClinVar (database versions not stated): gnomAD exomes below 0.00001; ExAC 0.00001.
gnomAD v4.1: 2 of 1,614,152 alleles (0.00012%); highest among the groups gnomAD compares: Admixed American, 0.0033%; no homozygotes.

Submission:

PreventionGenetics, part of Exact Sciences
Classification: Uncertain significance for NLRP12-related condition. Last evaluated: 2023-12-18. Review status: no assertion criteria provided. Collection method: clinical testing. Allele origin: germline.
Comment: The NLRP12 c.1538T>A variant is predicted to result in the amino acid substitution p.Ile513Asn. To our knowledge, this variant has not been reported in the literature. This variant is reported in 0.0058% of alleles in individuals of Latino descent in gnomAD. At this time, the clinical significance of this variant is uncertain due to the absence of conclusive functional and genetic evidence.